The following is an entry in ClinVar:

NM_000245.4(MET):c.2932C>A (p.Pro978Thr)

Gene: MET (MET proto-oncogene, receptor tyrosine kinase; plus strand). Cytogenetic location: 7q31.2.
Variant type: single nucleotide variant.
Coding change: c.2932C>A on transcript NM_000245.4 (MANE Select); coding-DNA position 2932, C replaced by A.
Protein change: p.Pro978Thr; replaces proline 978 with threonine.
Molecular consequence: missense variant.
Genome position (GRCh38, 1-based): chr7:116,771,893, C>A. VCF-style: chr7-116771893-C-A. GRCh37 (hg19) VCF-style: chr7-116411947-C-A.
Other names: c.2986C>A, p.Pro996Thr (NM_001127500.3); c.1642C>A, p.Pro548Thr (NM_001324402.2); short protein forms P978T, P996T, P548T.
Identifiers: ClinVar variation 5024411 (VCV005024411.1).

ClinVar aggregate classification (germline): Uncertain significance (1 of 4 stars; one submission).

Conditions:
Hereditary cancer-predisposing syndrome. Also called: Neoplastic Syndromes, Hereditary; Tumor predisposition; Hereditary neoplastic syndrome; Hereditary Cancer Syndrome. Identifiers: Orphanet 140162, MedGen C0027672, MeSH D009386, MONDO:0015356.

Submission:

Ambry Genetics
Classification: Uncertain significance for Hereditary cancer-predisposing syndrome. Last evaluated: 2026-07-26. Review status: criteria provided, single submitter. Criteria: Ambry Variant Classification Scheme 2023. Collection method: clinical testing. Allele origin: germline.
Comment: The p.P996T variant (also known as c.2986C>A), located in coding exon 13 of the MET gene, results from a C to A substitution at nucleotide position 2986. The proline at codon 996 is replaced by threonine, an amino acid with highly similar properties. This amino acid position is conserved. In addition, the in silico prediction for this alteration is inconclusive. Based on the available evidence, the clinical significance of this variant remains unclear.